The following is an entry in ClinVar:

NM_016955.4(SEPSECS):c.902C>G (p.Ser301Ter)

Gene: SEPSECS (Sep (O-phosphoserine) tRNA:Sec (selenocysteine) tRNA synthase; minus strand). Cytogenetic location: 4p15.2.
Variant type: single nucleotide variant.
Coding change: c.902C>G on transcript NM_016955.4 (MANE Select); coding-DNA position 902, C replaced by G.
Protein change: p.Ser301Ter; replaces serine 301 with a stop codon.
Molecular consequence: nonsense.
Genome position (GRCh38, 1-based): chr4:25,145,036, G>C on the plus strand (C>G on the coding strand, the complement: SEPSECS is on the minus strand). VCF-style: chr4-25145036-G-C. GRCh37 (hg19) VCF-style: chr4-25146658-G-C.
Other names: c.1157C>G, p.Ser386Ter (NM_001410714.1); c.902C>G, p.Ser301Ter (NM_153825.2); short protein forms S386*, S301*.
Identifiers: ClinVar variation 1997873 (VCV001997873.5), dbSNP rs1363933594, ClinGen allele CA356537274.

ClinVar aggregate classification (germline): Pathogenic (1 of 4 stars; one submission).

Submission:

Labcorp Genetics (formerly Invitae), Labcorp
Classification: Pathogenic. Last evaluated: 2022-11-01. Review status: criteria provided, single submitter. Criteria: Invitae Variant Classification Sherloc (09022015). Collection method: clinical testing. Allele origin: germline.
Comment: This sequence change creates a premature translational stop signal (p.Ser301*) in the SEPSECS gene. It is expected to result in an absent or disrupted protein product. Loss-of-function variants in SEPSECS are known to be pathogenic (PMID: 25558065, 25590979, 26115735). This variant is not present in population databases (gnomAD no frequency). This variant has not been reported in the literature in individuals affected with SEPSECS-related conditions. For these reasons, this variant has been classified as Pathogenic.

Literature cited by the submitters: PubMed 25558065; PubMed 25590979; PubMed 26115735.